The following is an entry in ClinVar:

ClinVar aggregate classification (germline): Benign. Review status: criteria provided, multiple submitters, no conflicts (2 of 4 stars). 13 submissions from 13 submitters: Benign (11). 2 of the submissions do not count toward it. Last evaluated 2026-02-04.

Conditions:
Familial sleep-related hypermotor epilepsy. Also called: Autosomal Dominant Sleep-Related Hypermotor (Hyperkinetic) Epilepsy. Identifiers: Orphanet 98784, MedGen C3696898, MONDO:0000030.
Autosomal dominant nocturnal frontal lobe epilepsy 1. Also called: EPILEPSY, NOCTURNAL FRONTAL LOBE, TYPE 1; CHRNA4-Related Nocturnal Frontal Lobe Epilepsy, Autosomal Dominant. Identifiers: Orphanet 98784, MedGen C1838049, MONDO:0010899, OMIM 600513.
NICOTINE ADDICTION, PROTECTION AGAINST. Identifiers: MedGen C4015943.
Inborn genetic diseases. Identifiers: MedGen C0950123, MeSH D030342.

Allele frequency attached by ClinVar (database versions not stated): 1000 Genomes Project 30x 0.35119; 1000 Genomes Project 0.35184; TOPMed 0.39425; gnomAD 0.40553 and 0.40957; ESP Exome Variant Server 0.40943; ExAC 0.47498; gnomAD exomes 0.48179 and 0.52784.
gnomAD v4.1: 830,814 of 1,611,664 alleles (52%); highest among the groups gnomAD compares: Non-Finnish European, 55%; 222,578 homozygotes.

Submissions (13):

Labcorp Genetics (formerly Invitae), Labcorp
Classification: Benign. Last evaluated: 2026-02-04. Review status: criteria provided, single submitter. Criteria: Invitae Variant Classification Sherloc (09022015). Collection method: clinical testing. Allele origin: germline.

Blueprint Genetics
Classification: Benign. Last evaluated: 2024-11-28. Review status: criteria provided, single submitter. Criteria: ACMG Guidelines, 2015. Collection method: clinical testing. Allele origin: germline.

Unidad de Genómica Garrahan, Hospital de Pediatría Garrahan
Classification: Benign. Last evaluated: 2024-07-15. Review status: criteria provided, single submitter. Criteria: ACMG Guidelines, 2015. Collection method: clinical testing. Allele origin: germline. Affected: no. Observed: 70 variant alleles.
Comment: This variant is classified as Benign based on local population frequency. This variant was detected in 75% of patients studied in a panel designed for Epileptic and Developmental Encephalopathy and Progressive Myoclonus Epilepsy. Number of patients: 70. Only high quality variants are reported.

Genome-Nilou Lab
Classification: Benign for Autosomal dominant nocturnal frontal lobe epilepsy 1. Last evaluated: 2021-07-22. Review status: criteria provided, single submitter. Criteria: ACMG Guidelines, 2015. Collection method: clinical testing. Allele origin: germline. Affected: no.

Mayo Clinic Laboratories, Mayo Clinic
Classification: Benign. Last evaluated: 2018-04-02. Review status: criteria provided, single submitter. Criteria: ACMG Guidelines, 2015. Collection method: clinical testing. Allele origin: germline. Observed: 366 variant alleles.

Athena Diagnostics
Classification: Benign. Last evaluated: 2017-04-28. Review status: criteria provided, single submitter. Criteria: Athena Diagnostics Criteria. Collection method: clinical testing. Allele origin: germline.

Eurofins Ntd Llc (ga)
Classification: Benign. Last evaluated: 2016-04-12. Review status: criteria provided, single submitter. Criteria: EGL Classification Definitions 2015. Collection method: clinical testing. Allele origin: germline. Observed: 49 variant alleles, 36 heterozygotes, 13 homozygotes.

Ambry Genetics
Classification: Benign for Inborn genetic diseases. Last evaluated: 2016-01-08. Review status: criteria provided, single submitter. Criteria: Ambry Variant Classification Scheme 2023. Collection method: clinical testing. Allele origin: germline.

GeneDx
Classification: Benign. Last evaluated: 2015-03-03. Review status: criteria provided, single submitter. Criteria: GeneDx Variant Classification Process June 2021. Collection method: clinical testing. Allele origin: germline. Affected: yes.

Breakthrough Genomics
Classification: Benign. Review status: criteria provided, single submitter. Criteria: ACMG Guidelines, 2015. Collection method: not provided. Allele origin: germline. Inheritance: Autosomal dominant inheritance. Affected: yes.

PreventionGenetics, part of Exact Sciences
Classification: Benign. Review status: criteria provided, single submitter. Criteria: ACMG Guidelines, 2015. Collection method: clinical testing. Allele origin: germline.

OMIM
Classification: protective for NICOTINE ADDICTION, PROTECTION AGAINST. Last evaluated: 2004-07-01. Review status: no assertion criteria provided. Collection method: literature only. Allele origin: germline. Not counted in ClinVar's aggregate classification.

Genetic Services Laboratory, University of Chicago
Classification: Likely benign for AllHighlyPenetrant. Review status: no assertion criteria provided. Collection method: clinical testing. Allele origin: germline. Inheritance: Autosomal dominant inheritance. Not counted in ClinVar's aggregate classification.
Comment: Likely benign based on allele frequency in 1000 Genomes Project or ESP global frequency and its presence in a patient with a rare or unrelated disease phenotype. NOT Sanger confirmed.

Literature cited by the submitters: PubMed 15154117 (cited by OMIM).

NM_000744.7(CHRNA4):c.1659G>A (p.Ala553=)

Gene: CHRNA4 (cholinergic receptor nicotinic alpha 4 subunit; minus strand). Cytogenetic location: 20q13.33.
Variant type: single nucleotide variant.
Coding change: c.1659G>A on transcript NM_000744.7 (MANE Select); coding-DNA position 1659, G replaced by A.
Protein change: p.Ala553=; no amino-acid change (alanine 553 retained).
Molecular consequence: synonymous variant. On other transcripts: non-coding transcript variant (1).
Genome position (GRCh38, 1-based): chr20:63,349,752, C>T on the plus strand (G>A on the coding strand, the complement: CHRNA4 is on the minus strand). VCF-style: chr20-63349752-C-T. GRCh37 (hg19) VCF-style: chr20-61981104-C-T.
Other names: CHRNA4, EX5, G-A (rs1044397); p.Ala553=; c.1131G>A, p.Ala377= (NM_001256573.2).
Identifiers: ClinVar variation 93428 (VCV000093428.32), dbSNP rs1044397, ClinGen allele CA146967.